The following is an entry in ClinVar:

ClinVar aggregate classification (germline): Uncertain significance (1 of 4 stars; one submission).

Conditions:
Short-rib thoracic dysplasia 6 with or without polydactyly (SRTD6). Also called: Majewski Syndrome; SHORT RIB-POLYDACTYLY SYNDROME, TYPE IIA; POLYDACTYLY WITH NEONATAL CHONDRODYSTROPHY, TYPE II; SHORT-RIB THORACIC DYSPLASIA 6 WITH POLYDACTYLY; SHORT-RIB THORACIC DYSPLASIA 6 WITHOUT POLYDACTYLY. Identifiers: MedGen C0024507, MONDO:0009894, OMIM 263520.

Submission:

Labcorp Genetics (formerly Invitae), Labcorp
Classification: Uncertain significance for Short-rib thoracic dysplasia 6 with or without polydactyly. Last evaluated: 2021-01-02. Review status: criteria provided, single submitter. Criteria: Invitae Variant Classification Sherloc (09022015). Collection method: clinical testing. Allele origin: germline.
Comment: This sequence change replaces leucine with phenylalanine at codon 20 of the NEK1 protein (p.Leu20Phe). The leucine residue is highly conserved and there is a small physicochemical difference between leucine and phenylalanine. This variant is not present in population databases (ExAC no frequency). In summary, the available evidence is currently insufficient to determine the role of this variant in disease. Therefore, it has been classified as a Variant of Uncertain Significance. Advanced modeling of protein sequence and biophysical properties (such as structural, functional, and spatial information, amino acid conservation, physicochemical variation, residue mobility, and thermodynamic stability) performed at Invitae indicates that this missense variant is expected to disrupt NEK1 protein function. This variant has not been reported in the literature in individuals with NEK1-related conditions.

NM_001199397.3(NEK1):c.58C>T (p.Leu20Phe)

Gene: NEK1 (NIMA related kinase 1; minus strand). Cytogenetic location: 4q33.
Variant type: single nucleotide variant.
Coding change: c.58C>T on transcript NM_001199397.3 (MANE Select); coding-DNA position 58, C replaced by T.
Protein change: p.Leu20Phe; replaces leucine 20 with phenylalanine.
Molecular consequence: missense variant. On other transcripts: non-coding transcript variant (2).
Genome position (GRCh38, 1-based): chr4:169,602,573, G>A on the plus strand (C>T on the coding strand, the complement: NEK1 is on the minus strand). VCF-style: chr4-169602573-G-A. GRCh37 (hg19) VCF-style: chr4-170523724-G-A.
Other names: c.58C>T, p.Leu20Phe (NM_001199398.3, NM_001199399.3, NM_001199400.3 and 7 more transcripts); short protein forms L20F.
Identifiers: ClinVar variation 1512133 (VCV001512133.8), dbSNP rs2150141098, ClinGen allele CA358746213.